The following is an entry in ClinVar:

NM_001211.6(BUB1B):c.695G>C (p.Ser232Thr)

Gene: BUB1B (BUB1 mitotic checkpoint serine/threonine kinase B; plus strand). Cytogenetic location: 15q15.1.
Variant type: single nucleotide variant.
Coding change: c.695G>C on transcript NM_001211.6 (MANE Select); coding-DNA position 695, G replaced by C.
Protein change: p.Ser232Thr; replaces serine 232 with threonine.
Molecular consequence: missense variant.
Genome position (GRCh38, 1-based): chr15:40,183,827, G>C. VCF-style: chr15-40183827-G-C. GRCh37 (hg19) VCF-style: chr15-40476028-G-C.
Other names: short protein forms S232T.
Identifiers: ClinVar variation 4867978 (VCV004867978.1).

ClinVar aggregate classification (germline): Uncertain significance (1 of 4 stars; one submission).

Conditions:
Inborn genetic diseases. Identifiers: MedGen C0950123, MeSH D030342.

gnomAD v4.1: 1 of 1,614,108 alleles (0.000062%); highest among the groups gnomAD compares: Non-Finnish European, 0.000085%; no homozygotes.

Submission:

Ambry Genetics
Classification: Uncertain significance for Inborn genetic diseases. Last evaluated: 2026-03-17. Review status: criteria provided, single submitter. Criteria: Ambry Variant Classification Scheme 2023. Collection method: clinical testing. Allele origin: germline.
Comment: The p.S232T variant (also known as c.695G>C), located in coding exon 6 of the BUB1B gene, results from a G to C substitution at nucleotide position 695. The serine at codon 232 is replaced by threonine, an amino acid with similar properties. This amino acid position is conserved. In addition, this alteration is predicted to be tolerated by in silico analysis. Based on the available evidence, the clinical significance of this variant remains unclear.